The following is an entry in ClinVar:

NM_024570.4(RNASEH2B):c.3G>A (p.Met1Ile)

Genes: RNASEH2B (ribonuclease H2 subunit B; plus strand), RNASEH2B-AS1 (RNASEH2B antisense RNA 1; minus strand), LOC130009810 (ATAC-STARR-seq lymphoblastoid silent region 5362; plus strand). Cytogenetic location: 13q14.3.
Variant type: single nucleotide variant.
Coding change: c.3G>A on transcript NM_024570.4 (MANE Select); coding-DNA position 3, G replaced by A.
Protein change: p.Met1Ile; changes the start codon (methionine 1).
Molecular consequence: missense variant, initiator codon variant.
Genome position (GRCh38, 1-based): chr13:50,910,079, G>A. VCF-style: chr13-50910079-G-A. GRCh37 (hg19) VCF-style: chr13-51484215-G-A.
Other names: c.3G>A, p.Met1Ile (NM_001142279.2); short protein forms M1I.
Identifiers: ClinVar variation 280090 (VCV000280090.3), dbSNP rs886041377, ClinGen allele CA10603233.

ClinVar aggregate classification (germline): Pathogenic (1 of 4 stars; one submission).

Allele frequency attached by ClinVar (database versions not stated): gnomAD exomes below 0.00001.

Submission:

GeneDx
Classification: Pathogenic. Last evaluated: 2016-05-16. Review status: criteria provided, single submitter. Criteria: GeneDx Variant Classification (06012015). Collection method: clinical testing. Allele origin: germline. Affected: yes.
Comment: The c.3 G>A pathogenic variant in the RNASEH2B gene has been reported previously in the presence of another RNASEH2B pathogenic variant, in two related individuals with Aicardi-Goutieres syndrome (Rice et al., 2013). Data from control individuals was not sufficient to assess whether c.3 G>A may be a common benign variant in the general population. As this pathogenic variant changes the translation initiator Methionine codon, the resultant protein is described as p.Met1?, using a question mark to signify that it is not known if the loss of Met1 means that all protein translation is completely prevented or if an abnormal protein is produced using an alternate Methionine. Therefore, we interpret c.3 G>A as a pathogenic variant.